The following is an entry in ClinVar:

NM_025179.4(PLXNA2):c.5094C>A (p.Thr1698=)

Gene: PLXNA2 (plexin A2; minus strand). Cytogenetic location: 1q32.2.
Variant type: single nucleotide variant.
Coding change: c.5094C>A on transcript NM_025179.4 (MANE Select); coding-DNA position 5094, C replaced by A.
Protein change: p.Thr1698=; no amino-acid change (threonine 1698 retained).
Molecular consequence: synonymous variant.
Genome position (GRCh38, 1-based): chr1:208,031,721, G>T on the plus strand (C>A on the coding strand, the complement: PLXNA2 is on the minus strand). VCF-style: chr1-208031721-G-T. GRCh37 (hg19) VCF-style: chr1-208205066-G-T.
Other names: c.5094C>A (NM_025179.3).
Identifiers: ClinVar variation 1937890 (VCV001937890.7), dbSNP rs748345804, ClinGen allele CA1372658.

ClinVar aggregate classification (germline): Likely benign. Review status: criteria provided, single submitter (1 of 4 stars). 2 submissions from 2 submitters: Likely benign (1). 1 of the submissions does not count toward it. Last evaluated 2022-07-09.

Conditions:
PLXNA2-related disorder. Also called: PLXNA2-related condition.

Allele frequency attached by ClinVar (database versions not stated): ExAC 0.00001.
gnomAD v4.1: 8 of 1,611,096 alleles (0.0005%); highest among the groups gnomAD compares: South Asian, 0.0066%; no homozygotes.

Submissions (2):

Labcorp Genetics (formerly Invitae), Labcorp
Classification: Likely benign. Last evaluated: 2022-07-09. Review status: criteria provided, single submitter. Criteria: Invitae Variant Classification Sherloc (09022015). Collection method: clinical testing. Allele origin: germline.

PreventionGenetics, part of Exact Sciences
Classification: Likely benign for PLXNA2-related condition. Last evaluated: 2023-02-15. Review status: no assertion criteria provided. Collection method: clinical testing. Allele origin: germline. Not counted in ClinVar's aggregate classification.
Comment: This variant is classified as likely benign based on ACMG/AMP sequence variant interpretation guidelines (Richards et al. 2015 PMID: 25741868, with internal and published modifications).